The following is an entry in ClinVar:

ClinVar aggregate classification (germline): Conflicting classifications of pathogenicity. Review status: criteria provided, conflicting classifications (1 of 4 stars). 3 submissions from 3 submitters: Pathogenic (1); Likely pathogenic (1); Uncertain significance (1). Last evaluated 2025-05-21.

Conditions:
Usher syndrome type 2C. Also called: USHER SYNDROME, TYPE IIC; Usher syndrome, type 2B. Identifiers: Orphanet 231178, Orphanet 886, MedGen C2931213, MONDO:0011558, OMIM 605472.
ADGRV1-related disorder. Also called: ADGRV1-related disorders; ADGRV1-related condition.

Allele frequency attached by ClinVar (database versions not stated): gnomAD exomes below 0.00001; gnomAD 0.00001; TOPMed 0.00001.

Submissions (3):

Labcorp Genetics (formerly Invitae), Labcorp
Classification: Pathogenic. Last evaluated: 2025-05-21. Review status: criteria provided, single submitter. Criteria: Invitae Variant Classification Sherloc (09022015). Collection method: clinical testing. Allele origin: germline.
Comment: This sequence change affects an acceptor splice site in intron 35 of the ADGRV1 gene. It is expected to disrupt RNA splicing. Variants that disrupt the donor or acceptor splice site typically lead to a loss of protein function (PMID: 16199547), and loss-of-function variants in ADGRV1 are known to be pathogenic (PMID: 19357117, 22135276, 22147658, 26226137, 30718709, 31047384, 32467589). This variant is not present in population databases (gnomAD no frequency). Disruption of this splice site has been observed in individual(s) with ADGRV1-related conditions (internal data). In at least one individual the data is consistent with being in trans (on the opposite chromosome) from a pathogenic variant. ClinVar contains an entry for this variant (Variation ID: 905879). Algorithms developed to predict the effect of sequence changes on RNA splicing suggest that this variant may disrupt the consensus splice site. For these reasons, this variant has been classified as Pathogenic.

PreventionGenetics, part of Exact Sciences
Classification: Likely pathogenic for ADGRV1-related condition. Last evaluated: 2024-11-20. Review status: criteria provided, single submitter. Criteria: ACMG Guidelines, 2015. Collection method: clinical testing. Allele origin: germline.
Comment: The ADGRV1 c.8287-1G>C variant is predicted to disrupt the AG splice acceptor site and interfere with normal splicing. To our knowledge, this variant has not been reported in the literature or in a large population database (gnomAD), indicating this variant is rare. Variants that disrupt the consensus splice acceptor site in ADGRV1 are expected to be pathogenic. This variant is interpreted as likely pathogenic.

Illumina Laboratory Services, Illumina
Classification: Uncertain significance for Usher syndrome type 2C. Last evaluated: 2017-04-28. Review status: criteria provided, single submitter. Criteria: ICSL Variant Classification Criteria 13 December 2019. Collection method: clinical testing. Allele origin: germline.

Literature cited by the submitters: PubMed 16199547 (cited by Labcorp Genetics (formerly Invitae), Labcorp); PubMed 19357117 (cited by Labcorp Genetics (formerly Invitae), Labcorp); PubMed 22135276 (cited by Labcorp Genetics (formerly Invitae), Labcorp); PubMed 22147658 (cited by Labcorp Genetics (formerly Invitae), Labcorp); PubMed 26226137 (cited by Labcorp Genetics (formerly Invitae), Labcorp); PubMed 30718709 (cited by Labcorp Genetics (formerly Invitae), Labcorp); PubMed 31047384 (cited by Labcorp Genetics (formerly Invitae), Labcorp); PubMed 32467589 (cited by Labcorp Genetics (formerly Invitae), Labcorp).

NM_032119.4(ADGRV1):c.8287-1G>C

Gene: ADGRV1 (adhesion G protein-coupled receptor V1; plus strand). Cytogenetic location: 5q14.3.
Variant type: single nucleotide variant.
Coding change: c.8287-1G>C on transcript NM_032119.4 (MANE Select); the canonical splice acceptor site of the intron before coding-DNA position 8287, G replaced by C.
Molecular consequence: splice acceptor variant.
Genome position (GRCh38, 1-based): chr5:90,704,388, G>C. VCF-style: chr5-90704388-G-C. GRCh37 (hg19) VCF-style: chr5-90000205-G-C.
Identifiers: ClinVar variation 905879 (VCV000905879.12), dbSNP rs1359811582, ClinGen allele CA360389595.